The following is an entry in ClinVar:

NM_003072.5(SMARCA4):c.2617-3C>T

Gene: SMARCA4 (SWI/SNF related BAF chromatin remodeling complex subunit ATPase 4; plus strand). Cytogenetic location: 19p13.2.
Variant type: single nucleotide variant.
Coding change: c.2617-3C>T on transcript NM_003072.5 (MANE Select); 3 bases into the intron before coding-DNA position 2617, C replaced by T.
Molecular consequence: intron variant.
Genome position (GRCh38, 1-based): chr19:11,021,722, C>T. VCF-style: chr19-11021722-C-T. GRCh37 (hg19) VCF-style: chr19-11132398-C-T.
Other names: c.2617-3C>T (NM_001128844.3, NM_001128849.3, NM_001128847.4 and 4 more transcripts).
Identifiers: ClinVar variation 821576 (VCV000821576.5), dbSNP rs587777463, ClinGen allele CA915951628.
Genomic context (GRCh38, chr19:11,021,722, plus strand): 5'-TTCTCCCCATGTGCCGGGCCACCTGCTGCCCCCTGCCCTGATTGCCCACTCTGGGGCCCG[C>T]AGATCCGTTGGAAGTACATGATTGTGGACGAAGGTCACCGCATGAAGAACCACCACTGCA-3'

ClinVar aggregate classification (germline): Uncertain significance (1 of 4 stars; one submission).

Conditions:
Hereditary cancer-predisposing syndrome. Also called: Tumor predisposition; Neoplastic Syndromes, Hereditary; Hereditary Cancer Syndrome; Hereditary neoplastic syndrome. Identifiers: Orphanet 140162, MedGen C0027672, MeSH D009386, MONDO:0015356.

Submission:

Ambry Genetics
Classification: Uncertain significance for Hereditary cancer-predisposing syndrome. Last evaluated: 2026-02-05. Review status: criteria provided, single submitter. Criteria: Ambry Variant Classification Scheme 2023. Collection method: clinical testing. Allele origin: germline.
Comment: The c.2617-3C>T intronic variant results from a C to T substitution 3 nucleotides upstream from coding exon 18 in the SMARCA4 gene. This nucleotide position is highly conserved in available vertebrate species. In silico splice site analysis predicts that this alteration will not have any significant effect on splicing. Based on the available evidence, the clinical significance of this variant remains unclear.